The following is an entry in ClinVar:

ClinVar aggregate classification (germline): Uncertain significance (1 of 4 stars; one submission).

Allele frequency attached by ClinVar (database versions not stated): gnomAD 0.00001 and 0.00002; gnomAD exomes 0.00002 and 0.00003; TOPMed 0.00002; ExAC 0.00004; ESP Exome Variant Server 0.00008.
gnomAD v4.1: 29 of 1,614,094 alleles (0.0018%); highest among the groups gnomAD compares: Admixed American, 0.0033%; no homozygotes.

Submission:

Labcorp Genetics (formerly Invitae), Labcorp
Classification: Uncertain significance. Last evaluated: 2022-02-24. Review status: criteria provided, single submitter. Criteria: Invitae Variant Classification Sherloc (09022015). Collection method: clinical testing. Allele origin: germline.
Comment: This sequence change replaces serine, which is neutral and polar, with proline, which is neutral and non-polar, at codon 100 of the PCARE protein (p.Ser100Pro). This variant is present in population databases (rs371535790, gnomAD 0.006%). This variant has not been reported in the literature in individuals affected with PCARE-related conditions. ClinVar contains an entry for this variant (Variation ID: 1023462). Algorithms developed to predict the effect of missense changes on protein structure and function output the following: SIFT: "Tolerated"; PolyPhen-2: "Benign"; Align-GVGD: "Class C0". The proline amino acid residue is found in multiple mammalian species, which suggests that this missense change does not adversely affect protein function. In summary, the available evidence is currently insufficient to determine the role of this variant in disease. Therefore, it has been classified as a Variant of Uncertain Significance.

NM_001029883.3(PCARE):c.298T>C (p.Ser100Pro)

Gene: PCARE (photoreceptor cilium actin regulator; minus strand). Cytogenetic location: 2p23.2.
Variant type: single nucleotide variant.
Coding change: c.298T>C on transcript NM_001029883.3 (MANE Select); coding-DNA position 298, T replaced by C.
Protein change: p.Ser100Pro; replaces serine 100 with proline.
Molecular consequence: missense variant.
Genome position (GRCh38, 1-based): chr2:29,073,964, A>G on the plus strand (T>C on the coding strand, the complement: PCARE is on the minus strand). VCF-style: chr2-29073964-A-G. GRCh37 (hg19) VCF-style: chr2-29296830-A-G.
Other names: short protein forms S100P.
Identifiers: ClinVar variation 1023462 (VCV001023462.5), dbSNP rs371535790, ClinGen allele CA1592680.